The following is an entry in ClinVar:

NM_001364905.1(LRBA):c.4004+6T>A

Gene: LRBA (LPS responsive beige-like anchor protein; minus strand). Cytogenetic location: 4q31.3.
Variant type: single nucleotide variant.
Coding change: c.4004+6T>A on transcript NM_001364905.1 (MANE Select); 6 bases into the intron after coding-DNA position 4004, T replaced by A.
Molecular consequence: intron variant.
Genome position (GRCh38, 1-based): chr4:150,850,718, A>T on the plus strand (T>A on the coding strand, the complement: LRBA is on the minus strand). VCF-style: chr4-150850718-A-T. GRCh37 (hg19) VCF-style: chr4-151771870-A-T.
Other names: c.4004+6T>A (NM_001367550.1, NM_006726.5, NM_001199282.3 and 2 more transcripts).
Identifiers: ClinVar variation 1020121 (VCV001020121.9), dbSNP rs1750513846, ClinGen allele CA1503642195.

ClinVar aggregate classification (germline): Uncertain significance (1 of 4 stars; one submission).

Conditions:
Combined immunodeficiency due to LRBA deficiency. Also called: Common variable immunodeficiency 8, with autoimmunity. Identifiers: Orphanet 445018, MedGen C3553512, MONDO:0013863, OMIM 614700.

Submission:

Labcorp Genetics (formerly Invitae), Labcorp
Classification: Uncertain significance for Combined immunodeficiency due to LRBA deficiency. Last evaluated: 2020-03-06. Review status: criteria provided, single submitter. Criteria: Invitae Variant Classification Sherloc (09022015). Collection method: clinical testing. Allele origin: germline.
Comment: This variant has not been reported in the literature in individuals with LRBA-related conditions. In summary, the available evidence is currently insufficient to determine the role of this variant in disease. Therefore, it has been classified as a Variant of Uncertain Significance. Nucleotide substitutions within the consensus splice site are a relatively common cause of aberrant splicing (PMID: 17576681, 9536098). Algorithms developed to predict the effect of sequence changes on RNA splicing suggest that this variant may disrupt the consensus splice site, but this prediction has not been confirmed by published transcriptional studies. This variant is not present in population databases (ExAC no frequency). This sequence change falls in intron 24 of the LRBA gene. It does not directly change the encoded amino acid sequence of the LRBA protein, but it affects a nucleotide within the consensus splice site of the intron.

Literature cited by the submitters: PubMed 17576681; PubMed 9536098.